The following is an entry in ClinVar:

NM_000844.4(GRM7):c.551C>A (p.Pro184His)

Gene: GRM7 (glutamate metabotropic receptor 7; plus strand). Cytogenetic location: 3p26.1.
Variant type: single nucleotide variant.
Coding change: c.551C>A on transcript NM_000844.4 (MANE Select); coding-DNA position 551, C replaced by A.
Protein change: p.Pro184His; replaces proline 184 with histidine.
Molecular consequence: missense variant.
Genome position (GRCh38, 1-based): chr3:7,146,483, C>A. VCF-style: chr3-7146483-C-A. GRCh37 (hg19) VCF-style: chr3-7188170-C-A.
Other names: c.551C>A, p.Pro184His (NM_181874.3); short protein forms P184H.
Identifiers: ClinVar variation 4771543 (VCV004771543.1).

ClinVar aggregate classification (germline): Uncertain significance (1 of 4 stars; one submission).

Submission:

Labcorp Genetics (formerly Invitae), Labcorp
Classification: Uncertain significance. Last evaluated: 2026-01-14. Review status: criteria provided, single submitter. Criteria: Invitae Variant Classification Sherloc (09022015). Collection method: clinical testing. Allele origin: germline.
Comment: This sequence change replaces proline, which is neutral and non-polar, with histidine, which is basic and polar, at codon 184 of the GRM7 protein (p.Pro184His). This variant is not present in population databases (gnomAD no frequency). This variant has not been reported in the literature in individuals affected with GRM7-related conditions. Invitae Evidence Modeling of protein sequence and biophysical properties (such as structural, functional, and spatial information, amino acid conservation, physicochemical variation, residue mobility, and thermodynamic stability) indicates that this missense variant is expected to disrupt GRM7 protein function with a positive predictive value of 80%. In summary, the available evidence is currently insufficient to determine the role of this variant in disease. Therefore, it has been classified as a Variant of Uncertain Significance.